The following is an entry in ClinVar:

NM_001039213.4(CEACAM16):c.148G>A (p.Ala50Thr)

Genes: CEACAM16 (CEA cell adhesion molecule 16, tectorial membrane component; plus strand), CEACAM16-AS1 (CEACAM16, CEACAM19 and PVR antisense RNA 1; minus strand). Cytogenetic location: 19q13.32.
Variant type: single nucleotide variant.
Coding change: c.148G>A on transcript NM_001039213.4 (MANE Select); coding-DNA position 148, G replaced by A.
Protein change: p.Ala50Thr; replaces alanine 50 with threonine.
Molecular consequence: missense variant.
Genome position (GRCh38, 1-based): chr19:44,703,459, G>A. VCF-style: chr19-44703459-G-A. GRCh37 (hg19) VCF-style: chr19-45206729-G-A.
Other names: c.148G>A (NM_001039213.3); short protein forms A50T.
Identifiers: ClinVar variation 3265647 (VCV003265647.4).

ClinVar aggregate classification (germline): Uncertain significance. Review status: criteria provided, multiple submitters, no conflicts (2 of 4 stars). 3 submissions from 3 submitters: Uncertain significance (3). Last evaluated 2026-03-20.

Conditions:
CEACAM16-related disorder. Also called: CEACAM16-related condition.
Inborn genetic diseases. Identifiers: MedGen C0950123, MeSH D030342.

gnomAD v4.1: 23 of 1,613,812 alleles (0.0014%); highest among the groups gnomAD compares: African/African-American, 0.008%; no homozygotes.

Submissions (3):

PreventionGenetics, part of Exact Sciences
Classification: Uncertain significance for CEACAM16-related condition. Last evaluated: 2026-03-20. Review status: criteria provided, single submitter. Criteria: ACMG Guidelines, 2015. Collection method: clinical testing. Allele origin: germline.
Comment: The CEACAM16 c.148G>A variant is predicted to result in the amino acid substitution p.Ala50Thr. To our knowledge, this variant has not been reported in the literature. This variant is reported in 0.012% of alleles in individuals of African descent in gnomAD. At this time, the clinical significance of this variant is uncertain due to the absence of conclusive functional and genetic evidence.

Labcorp Genetics (formerly Invitae), Labcorp
Classification: Uncertain significance. Last evaluated: 2024-11-04. Review status: criteria provided, single submitter. Criteria: Invitae Variant Classification Sherloc (09022015). Collection method: clinical testing. Allele origin: germline.
Comment: This sequence change replaces alanine, which is neutral and non-polar, with threonine, which is neutral and polar, at codon 50 of the CEACAM16 protein (p.Ala50Thr). This variant is present in population databases (rs531707985, gnomAD 0.01%). This variant has not been reported in the literature in individuals affected with CEACAM16-related conditions. Invitae Evidence Modeling of protein sequence and biophysical properties (such as structural, functional, and spatial information, amino acid conservation, physicochemical variation, residue mobility, and thermodynamic stability) indicates that this missense variant is not expected to disrupt CEACAM16 protein function with a negative predictive value of 80%. In summary, the available evidence is currently insufficient to determine the role of this variant in disease. Therefore, it has been classified as a Variant of Uncertain Significance.

Ambry Genetics
Classification: Uncertain significance for Inborn genetic diseases. Last evaluated: 2024-05-30. Review status: criteria provided, single submitter. Criteria: Ambry Variant Classification Scheme 2023. Collection method: clinical testing. Allele origin: germline.